The following is an entry in ClinVar:

ClinVar aggregate classification (germline): Uncertain significance (1 of 4 stars; one submission).

Conditions:
Hypertrophic cardiomyopathy. Also called: HYPERTROPHIC MYOCARDIOPATHY. Identifiers: Orphanet 217569, MedGen C0007194, MeSH D002312, MONDO:0005045, HP:0001639.

Submission:

Labcorp Genetics (formerly Invitae), Labcorp
Classification: Uncertain significance for Hypertrophic cardiomyopathy. Last evaluated: 2023-12-12. Review status: criteria provided, single submitter. Criteria: Invitae Variant Classification Sherloc (09022015). Collection method: clinical testing. Allele origin: germline.
Comment: This sequence change replaces proline, which is neutral and non-polar, with leucine, which is neutral and non-polar, at codon 1245 of the MYBPC3 protein (p.Pro1245Leu). This variant is not present in population databases (gnomAD no frequency). This missense change has been observed in individual(s) with clinical features of MYBPC3-related conditions (PMID: 21750094). ClinVar contains an entry for this variant (Variation ID: 2137066). An algorithm developed to predict the effect of missense changes on protein structure and function (PolyPhen-2) suggests that this variant is likely to be disruptive. In summary, the available evidence is currently insufficient to determine the role of this variant in disease. Therefore, it has been classified as a Variant of Uncertain Significance.

Literature cited by the submitters: PubMed 21750094.

NM_000256.3(MYBPC3):c.3734C>T (p.Pro1245Leu)

Gene: MYBPC3 (myosin binding protein C3; minus strand). Cytogenetic location: 11p11.2.
Variant type: single nucleotide variant.
Coding change: c.3734C>T on transcript NM_000256.3 (MANE Select); coding-DNA position 3734, C replaced by T.
Protein change: p.Pro1245Leu; replaces proline 1245 with leucine.
Molecular consequence: missense variant.
Genome position (GRCh38, 1-based): chr11:47,332,152, G>A on the plus strand (C>T on the coding strand, the complement: MYBPC3 is on the minus strand). VCF-style: chr11-47332152-G-A. GRCh37 (hg19) VCF-style: chr11-47353703-G-A.
Other names: short protein forms P1245L.
Identifiers: ClinVar variation 2137066 (VCV002137066.4), dbSNP rs2495736286, ClinGen allele CA380311066.
Genomic context (GRCh38, chr11:47,332,152, plus strand): 5'-TCACACCGTGCCTCGCCCTGTAAGTTGGTGGCCCTGCAGACATAGATGCCCCCGTCAAAG[G>A]GGCAGGGCTTTCTAATCTCCAGAGTCAACACTCCCTGCTTGCTGAACATGCGGAAGCGGG-3'
Protein context (NP_000247.2, residues 1235-1255): VLTLEIRKPC[Pro1245Leu]FDGGIYVCRA